The following is an entry in ClinVar:

ClinVar aggregate classification (germline): Likely pathogenic (1 of 4 stars; one submission).

Submission:

Labcorp Genetics (formerly Invitae), Labcorp
Classification: Likely pathogenic. Last evaluated: 2022-07-19. Review status: criteria provided, single submitter. Criteria: Invitae Variant Classification Sherloc (09022015). Collection method: clinical testing. Allele origin: germline.
Comment: In summary, the currently available evidence indicates that the variant is pathogenic, but additional data are needed to prove that conclusively. Therefore, this variant has been classified as Likely Pathogenic. Algorithms developed to predict the effect of sequence changes on RNA splicing suggest that this variant may disrupt the consensus splice site. ClinVar contains an entry for this variant (Variation ID: 1465487). This variant has not been reported in the literature in individuals affected with RBP4-related conditions. This variant is not present in population databases (gnomAD no frequency). This variant results in the deletion of part of exon 3 (c.244_248+2del) of the RBP4 gene. It is expected to disrupt RNA splicing. Variants that disrupt the donor or acceptor splice site typically lead to a loss of protein function (PMID: 16199547), and loss-of-function variants in RBP4 are known to be pathogenic (PMID: 23189188, 26974396, 28041643).

Literature cited by the submitters: PubMed 16199547; PubMed 23189188; PubMed 26974396; PubMed 28041643.

NM_006744.4(RBP4):c.244_248+2del

Gene: RBP4 (retinol binding protein 4; minus strand). Cytogenetic location: 10q23.33.
Variant type: Deletion.
Coding change: c.244_248+2del on transcript NM_006744.4 (MANE Select); coding-DNA position 244 through the canonical splice donor site of the intron after coding-DNA position 248, 7 bases deleted (TTGAAGT; older notation c.244_248+2delTTGAAGT).
Molecular consequence: splice donor variant.
Genome position (GRCh38, 1-based): chr10:93,600,665-93,600,671, ACTTCAA deleted on the plus strand (TTGAAGT on the coding strand, the reverse complement: RBP4 is on the minus strand); deleting any 7 consecutive bases within chr10:93,600,665-93,600,672 gives the same sequence; the c. name uses the placement nearest the transcript's 3' end. VCF-style (leftmost placement, unchanged base first): chr10-93600664-GACTTCAA-G. GRCh37 (hg19) VCF-style: chr10-95360421-GACTTCAA-G.
Other names: c.238_242+2del (NM_001323518.2); c.244_248+2del (NM_001323517.1).
Identifiers: ClinVar variation 1465487 (VCV001465487.6), dbSNP rs2134575722, ClinGen allele CA2573145896.
Genomic context (GRCh38, chr10:93,600,664, plus strand): 5'-GCAGGCAGGGCCCTTGGGGAACCCTGGAGCGCAAAGGGCGCAGCTGCCCCGGCGGCCACT[GACTTCAA>G]AAGACGGACTCGGCCCTTGGCTGTGGCGCTCATCTGGCCGGTCTCGTCCACGGAGAACTC-3'